The following is an entry in ClinVar:

NM_000518.5(HBB):c.435G>C (p.Lys145Asn)

Genes: HBB (hemoglobin subunit beta; minus strand), LOC107133510 (origin of replication at HBB; plus strand), LOC110006319 (beta-globin gene 3' regulatory region; plus strand). Cytogenetic location: 11p15.4.
Variant type: single nucleotide variant.
Coding change: c.435G>C on transcript NM_000518.5 (MANE Select); coding-DNA position 435, G replaced by C.
Protein change: p.Lys145Asn; replaces lysine 145 with asparagine.
Molecular consequence: missense variant.
Genome position (GRCh38, 1-based): chr11:5,225,607, C>G on the plus strand (G>C on the coding strand, the complement: HBB is on the minus strand). VCF-style: chr11-5225607-C-G. GRCh37 (hg19) VCF-style: chr11-5246837-C-G.
Other names: K144N; Hb Andrew-Minneapolis; short protein forms K145N.
Identifiers: ClinVar variation 15096 (VCV000015096.12), dbSNP rs35020585, ClinGen allele CA124724.

ClinVar aggregate classification (germline): Pathogenic. Review status: criteria provided, single submitter (1 of 4 stars). 3 submissions from 2 submitters: Pathogenic (1). 2 of the submissions do not count toward it. Last evaluated 2024-06-03.

Conditions:
Erythrocytosis, familial, 6. Also called: ERYTHROCYTOSIS, BETA-GLOBIN TYPE; POLYCYTHEMIA, BETA-GLOBIN TYPE. Identifiers: MedGen C4693822, MONDO:0054801, OMIM 617980.
HEMOGLOBIN ANDREW-MINNEAPOLIS.

Submissions (3):

ARUP Laboratories, Molecular Genetics and Genomics, ARUP Laboratories
Classification: Pathogenic. Last evaluated: 2024-06-03. Review status: criteria provided, single submitter. Criteria: ARUP Molecular Germline Variant Investigation Process 2024. Collection method: clinical testing. Allele origin: germline.
Comment: The Hb Andrew-Minneapolis variant (HBB: c.435G>C; p.Lys145Asn, also known as Lys144Asn when numbered from the mature protein, rs35020585, HbVar ID: 567) is reported in the literature in multiple individuals with familial erythrocytosis, in both the heterozygous and homozygous states (Gomi 1992, Mehta 2017, Ropero 2013, Zak 1974, HbVar and references therein). In one case, this variant was reported to occur de novo, in trans to a large deletion, in an individual with marked erythrocytosis (Ropero 2013). This variant is absent from Genome Aggregation Database, indicating it is not a common polymorphism. Computational analyses are uncertain whether this variant is neutral or deleterious (REVEL: 0.508), however functional studies demonstrate increased oxygen affinity of the variant protein (Zak 1974, HbVar and references therein). Based on available information, this variant is considered to be pathogenic. References: Link to HbVar database: Gomi T et al. Hemoglobin Andrew-Minneapolis (beta 144 (HCl) lysine----asparagine) in a Japanese family. Intern Med. 1992 May;31(5):659-61. PMID: 1504431. Mehta P et al. Identification of high oxygen affinity hemoglobin (Hb Andrew-Minneapolis) in an Indian family. Int J Lab Hematol. 2017 Apr;39(2):e51-e54. PMID: 28042696. Ropero P et al. Erythrocytosis in a child due to Hb Andrew-Minneapolis [beta144(HC1)Lys?Asn (AAG>AAT or AAC)] associated with a Spanish (delta beta)(0)-thalassemia. Hemoglobin. 2013;37(1):48-55. PMID: 23215953. Zak SJ et al. Hemoglobin Andrew-Minneapolis alpha 2 A beta 2 144 Lys leads to Asn: a new high-oxygen-affinity mutant human hemoglobin. Blood. 1974 Oct;44(4):543-9. PMID: 4413656.

OMIM
Classification: other for HEMOGLOBIN ANDREW-MINNEAPOLIS. Last evaluated: 2017-12-12. Review status: no assertion criteria provided. Collection method: literature only. Allele origin: germline. Not counted in ClinVar's aggregate classification.

OMIM
Classification: Pathogenic for ERYTHROCYTOSIS 6. Last evaluated: 1978-09-01. Review status: no assertion criteria provided. Collection method: literature only. Allele origin: germline. Not counted in ClinVar's aggregate classification.

Literature cited by the submitters: PubMed 4413656 (cited by OMIM); PubMed 29054 (cited by OMIM).